The following is an entry in ClinVar:

ClinVar aggregate classification (germline): Likely benign (1 of 4 stars; one submission).

Allele frequency attached by ClinVar (database versions not stated): gnomAD exomes below 0.00001; TOPMed below 0.00001; gnomAD 0.00001.
gnomAD v4.1: 4 of 1,613,680 alleles (0.00025%); highest among the groups gnomAD compares: Non-Finnish European, 0.00025%; no homozygotes.

Submission:

Laboratory for Molecular Medicine, Mass General Brigham Personalized Medicine
Classification: Likely benign. Last evaluated: 2023-05-10. Review status: criteria provided, single submitter. Criteria: ACMG Guidelines, 2015. Collection method: clinical testing. Allele origin: germline.
Comment: The p.Glu4369Asp variant in TTN is classified as likely benign because it is located in the I-band, in an exon that is not highly expressed in the heart (PSI: 7%). This variant has been identified in 0.0015% (1/68026) of European chromosomes by gnomAD (v.3.1.2). Computational prediction tools and conservation analyses suggest that this variant may not impact the protein. ACMG/AMP Criteria applied: BP4, BP1, PM2_Supporting.

NM_001267550.2(TTN):c.16839A>C (p.Glu5613Asp)

Genes: TTN (titin; minus strand), LOC126806431 (CDK7 strongly-dependent group 2 enhancer GRCh37_chr2:179595719-179596918; plus strand). Cytogenetic location: 2q31.2.
Variant type: single nucleotide variant.
Coding change: c.16839A>C on transcript NM_001267550.2 (MANE Select); coding-DNA position 16839, A replaced by C.
Protein change: p.Glu5613Asp; replaces glutamic acid 5613 with aspartic acid.
Molecular consequence: missense variant. On other transcripts: intron variant (3).
Genome position (GRCh38, 1-based): chr2:178,732,130, T>G on the plus strand (A>C on the coding strand, the complement: TTN is on the minus strand). VCF-style: chr2-178732130-T-G. GRCh37 (hg19) VCF-style: chr2-179596857-T-G.
Other names: c.13107A>C, p.Glu4369Asp (NM_133378.4); c.15888A>C, p.Glu5296Asp (NM_001256850.1); c.13282+5952A>C (NM_003319.4); c.13858+5952A>C (NM_133437.4); c.13657+5952A>C (NM_133432.3); short protein forms E5613D, E4369D, E5296D.
Identifiers: ClinVar variation 46620 (VCV000046620.6), dbSNP rs397517483, ClinGen allele CA138777.